The following is an entry in ClinVar:

NM_175914.5(HNF4A):c.926G>A (p.Arg309His)

Gene: HNF4A (hepatocyte nuclear factor 4 alpha; plus strand). Cytogenetic location: 20q13.12.
Variant type: single nucleotide variant.
Coding change: c.926G>A on transcript NM_175914.5 (MANE Select); coding-DNA position 926, G replaced by A.
Protein change: p.Arg309His; replaces arginine 309 with histidine.
Molecular consequence: missense variant.
Genome position (GRCh38, 1-based): chr20:44,424,117, G>A. VCF-style: chr20-44424117-G-A. GRCh37 (hg19) VCF-style: chr20-43052757-G-A.
Other names: NM_175914.5(HNF4A):c.926G>A; p.Arg309His; c.992G>A, p.Arg331His (NM_000457.6, NM_178849.3, NM_178850.3); c.926G>A, p.Arg309His (NM_001030003.3, NM_001030004.3); c.971G>A, p.Arg324His (NM_001258355.2); c.917G>A, p.Arg306His (NM_001287182.2, NM_001287183.2, NM_001287184.2); short protein forms R306H, R309H, R331H, R324H.
Identifiers: ClinVar variation 424599 (VCV000424599.17), dbSNP rs369429452, ClinGen allele CA9870414.
Genomic context (GRCh38, chr20:44,424,117, plus strand): 5'-TGCGTTCCCAGGTGCAGGTGAGCTTGGAGGACTACATCAACGACCGCCAGTATGACTCGC[G>A]TGGCCGCTTTGGAGAGCTGCTGCTGCTGCTGCCCACCTTGCAGAGCATCACCTGGCAGAT-3'
Protein context (NP_787110.2, residues 299-319): DYINDRQYDS[Arg309His]GRFGELLLLL

ClinVar aggregate classification (germline): Likely pathogenic. Review status: reviewed by expert panel (3 of 4 stars). 7 submissions from 7 submitters: Likely pathogenic (1). 6 of the submissions do not count toward it. Last evaluated 2024-08-01.

Conditions:
Fanconi renotubular syndrome 4 with maturity-onset diabetes of the young (FRTS4). Also called: FRTS4 WITH MODY. Identifiers: Orphanet 93111, MedGen C4014962, MONDO:0014458, OMIM 616026.
Maturity-onset diabetes of the young type 1. Also called: MODY, type I; HNF4A-Related Maturity-Onset Diabetes of the Young Type 1; MILD JUVENILE DIABETES MELLITUS; MODY type 1; Diabetes mellitus MODY type 1; MODY HNF4A related. Identifiers: Orphanet 552, MedGen C1852093, MONDO:0007452, OMIM 125850. Disease mechanism: loss of function.
Type 2 diabetes mellitus. Also called: Type II diabetes mellitus. Identifiers: MedGen C0011860, MeSH D003924, MONDO:0005148, OMIM 125853, HP:0005978.
Monogenic diabetes. Identifiers: Orphanet 183625, MedGen C3888631, MONDO:0015967.

Allele frequency attached by ClinVar (database versions not stated): gnomAD exomes below 0.00001; TOPMed below 0.00001; ExAC 0.00001; gnomAD 0.00001; ESP Exome Variant Server 0.00008.
gnomAD v4.1: 13 of 1,613,400 alleles (0.00081%); highest among the groups gnomAD compares: South Asian, 0.0033%; no homozygotes.

Submissions (7):

ClinGen Monogenic Diabetes Variant Curation Expert Panel
Classification: Likely pathogenic for Monogenic diabetes. Last evaluated: 2024-08-01. Review status: reviewed by expert panel. Criteria: ClinGen Diabetes ACMG Specifications HNF4A V2.0.0. Collection method: curation. Allele origin: germline. Inheritance: Autosomal dominant inheritance.
Comment: The c.926G>A variant in the hepatocyte nuclear factor 4-alpha gene, HNF4A, causes an amino acid change of arginine to histidine at codon 309 (p.(Arg309His)) of NM_175914.5. This variant is located within the ligand-binding domain (codons 180-220 and 300-350) of HNF4A, which is defined as critical for the protein’s function by the ClinGen MDEP (PM1_Supporting). This variant is predicted to be deleterious by computational evidence, with a REVEL score of 0.765, which is greater than the MDEP VCEP threshold of 0.70 (PP3). This variant has an incomputable gnomAD v2.1.1 Grpmax filtering allele frequency due to 1 copy in the South Asian subpopulation and 0 copies in any other subpopulation, thereby meeting the ClinGen MDEP threshold criteria for PM2_Supporting (ENF Grpmax FAF <= 0.000003 and <= 2 copies in ENF and <=1 copy in any other subpopulation) (PM2_Supporting). This variant was identified in an individual with a clinical history suggestive of HNF4A-MODY (neonatal hyperinsulinemic hypoglycemia and negative genetic testing for ABCC8 and KCNJ11)(PP4; internal lab contributors). This variant segregated with diabetes and/or diazoxide-responsive hyperinsulinemic hypoglycemia, with 4 informative meioses in 1 family (PP1_Moderate; internal lab contributors). Another missense variant, c.925C>T p.Arg309Cys, has been classified as pathogenic by the ClinGen MDEP but has a greater Grantham distance than p.Arg309His (PM5_Supporting). In summary, c.926G>A meets the criteria to be classified as likely pathogenic for monogenic diabetes. ACMG/AMP criteria applied, as specified by the ClinGen MDEP (specification version 2.0.0, approved 10/11/2023): PP1_Moderate, PP3, PP4, PM1_Supporting, PM2_Supporting, PM5_Supporting.

Women's Health and Genetics/Laboratory Corporation of America, LabCorp
Classification: Uncertain significance. Last evaluated: 2024-11-20. Review status: criteria provided, single submitter. Criteria: LabCorp Variant Classification Summary - May 2015. Collection method: clinical testing. Allele origin: germline. Not counted in ClinVar's aggregate classification.
Comment: Variant summary: HNF4A c.926G>A (p.Arg309His) results in a non-conservative amino acid change located in the Nuclear receptor (NR) ligand-binding (LBD) domain (IPR000536) of the encoded protein sequence. Five of five in-silico tools predict a damaging effect of the variant on protein function. The variant allele was found at a frequency of 4e-06 in 248634 control chromosomes. c.926G>A has been reported in the literature in at-least three individuals affected with Maturity Onset Diabetes Of The Young and neonatal-onset congenital hyperinsulinisms (Wang_2018, Mannisto_2020). These data indicate that the variant may be associated with disease. To our knowledge, no experimental evidence demonstrating an impact on protein function has been reported. Additionally, two variants at the Arg309 residue have been reported as Likely Pathogenic at our lab (p.Arg309Cys) and at ClinVar (p.Arg309Leu, per ClinGen Monogenic Diabetes Variant Curation Expert Panel), suggesting that this codon might be functionally important.The following publications have been ascertained in the context of this evaluation (PMID: 32170320, 30293189). ClinVar contains an entry for this variant (Variation ID: 424599). Based on the evidence outlined above, the variant was classified as VUS-possibly pathogenic.

3billion
Classification: Likely pathogenic for Maturity-onset diabetes of the young type 1. Last evaluated: 2024-02-21. Review status: criteria provided, single submitter. Criteria: ACMG Guidelines, 2015. Collection method: clinical testing. Allele origin: germline. Affected: yes. Not counted in ClinVar's aggregate classification.
Comment: The variant is observed at an extremely low frequency in the gnomAD v2.1.1 dataset (total allele frequency: <0.001%). Predicted Consequence/Location: Missense variant In silico tool predictions suggest damaging effect of the variant on gene or gene product [REVEL: 0.77 (>=0.6, sensitivity 0.68 and specificity 0.92); 3Cnet: 0.88 (>=0.6, sensitivity 0.72 and precision 0.9)]. Same nucleotide change resulting in same amino acid change has been previously reported as pathogenic/likely pathogenic with strong evidence (ClinVar ID: VCV000424599). Different missense changes at the same codon (p.Arg309Cys, p.Arg309Leu) have been reported as pathogenic/likely pathogenic with strong evidence (ClinVar ID: VCV000036364, VCV000972810 /PMID: 16917892, 18356407). Therefore, this variant is classified as Likely pathogenic according to the recommendation of ACMG/AMP guideline.

Clinical Genomics Laboratory, Washington University in St. Louis
Classification: Likely pathogenic for Maturity-onset diabetes of the young type 1. Last evaluated: 2023-11-02. Review status: criteria provided, single submitter. Criteria: ACMG Guidelines, 2015. Collection method: clinical testing. Allele origin: germline. Affected: yes. Not counted in ClinVar's aggregate classification.
Comment: A HNF4A c.926G>A (p.Arg309His) variant was identified in a heterozygous state. To our knowledge, this variant has not been reported in the medical literature and is only observed on 1/248,634 alleles in the general population (gnomAD v2.1.1). The variant has been reported in the ClinVar database as a variant of uncertain clinical significance by one submitter (ClinVar Variation ID: 424599). Computational predictors suggest that this variant is damaging, evidence that correlates with impact on HNF4A function. The HNF4A c.926G>A (p.Arg309His) variant is located within the ligand binding domain of HNF4A, which is defined as critical for protein function (Eeckhoute J et al., PMID: 14602925; Ng NHJ et al., PMID: 31195238; Lu P et al., PMID: 18829458). Another variant in the same codon, HNF4A c.926G>T (p.Arg309Leu) has been reported in two individuals with diabetes and is considered pathogenic (Mirshahi UL et al., PMID: 36257325, ClinVar Variation ID: 972810). Based on ACMG/AMP guidelines for variant interpretation (Richards S et al., PMID: 25741868), the HNF4A c.926G>A (p.Arg309His) variant is classified as likely pathogenic.

Geisinger Clinic, Geisinger Health System
Classification: Likely pathogenic for Maturity-onset diabetes of the young type 1. Last evaluated: 2022-08-02. Review status: criteria provided, single submitter. Criteria: ACMG Guidelines, 2015. Collection method: research. Allele origin: germline. Inheritance: Autosomal dominant inheritance. Affected: yes. Observed: 1 variant allele. Not counted in ClinVar's aggregate classification.
Comment: PM1_Supporting, PM2, PP3, PM5_Supporting, PP4, PP1_Moderate

GeneDx
Classification: Uncertain significance. Last evaluated: 2017-04-03. Review status: criteria provided, single submitter. Criteria: GeneDx Variant Classification (06012015). Collection method: clinical testing. Allele origin: germline. Affected: yes. Not counted in ClinVar's aggregate classification.
Comment: The R309H variant in the HNF4A gene has not been reported previously as a pathogenic variant, nor as a benign variant, to our knowledge. The R309H variant is observed in 1/62866 (0.002%) alleles from individuals of European background, in large population cohorts the ExAC dataset (Lek et al., 2016). The R309H variant is a conservative amino acid substitution, which is not likely to impact secondary protein structure as these residues share similar properties. This substitution occurs at a position that is conserved across species. In silico analysis predicts this variant is probably damaging to the protein structure/function. We interpret R309H as a variant of uncertain significance.

Juno Genomics, Hangzhou Juno Genomics, Inc
Classification: Likely pathogenic for Type 2 diabetes mellitus; Fanconi renotubular syndrome 4 with maturity-onset diabetes of the young; Maturity-onset diabetes of the young type 1. Review status: criteria provided, single submitter. Criteria: ACMG Guidelines, 2015. Collection method: clinical testing. Allele origin: germline. Not counted in ClinVar's aggregate classification.
Comment: Multiple lines of computational evidence support a deleterious effect on the gene or gene product.;Novel missense change at an amino acid residue where a different missense change determined to be pathogenic has been seen before.;Located in a mutational hot spot and/or critical and well-established functional domain without benign variation.;Co-segregation with disease in multiple affected family members.;The prevalence of the variant in affected individuals is significantly increased compared to the prevalence in controls.;Patient's phenotype or family history is highly specific for a disease with a single genetic etiology.

Literature cited by the submitters: PubMed 32170320 (cited by Women's Health and Genetics/Laboratory Corporation of America, LabCorp); PubMed 30293189 (cited by Women's Health and Genetics/Laboratory Corporation of America, LabCorp); PubMed 16917892 (cited by 3billion); PubMed 36257325 (cited by Geisinger Clinic, Geisinger Health System).